The following is an entry in ClinVar:

ClinVar aggregate classification (germline): Likely pathogenic (1 of 4 stars; one submission).

Conditions:
Short-rib thoracic dysplasia 8 with or without polydactyly (SRTD8). Also called: SHORT-RIB THORACIC DYSPLASIA 8 WITH POLYDACTYLY. Identifiers: Orphanet 93271, MedGen C3809691, MONDO:0014214, OMIM 615503.

gnomAD v4.1: 2 of 1,613,278 alleles (0.00012%); highest among the groups gnomAD compares: Admixed American, 0.0033%; no homozygotes.

Submission:

Labcorp Genetics (formerly Invitae), Labcorp
Classification: Likely pathogenic for Short-rib thoracic dysplasia 8 with or without polydactyly. Last evaluated: 2025-10-01. Review status: criteria provided, single submitter. Criteria: Invitae Variant Classification Sherloc (09022015). Collection method: clinical testing. Allele origin: germline.
Comment: This sequence change affects a donor splice site in intron 6 of the WDR60 gene. It is expected to disrupt RNA splicing. Variants that disrupt the donor or acceptor splice site typically lead to a loss of protein function (PMID: 16199547), and loss-of-function variants in WDR60 are known to be pathogenic (PMID: 9068549, 23910462). This variant is present in population databases (no rsID available, gnomAD 0.006%). This variant has not been reported in the literature in individuals affected with WDR60-related conditions. Algorithms developed to predict the effect of sequence changes on RNA splicing suggest that this variant may disrupt the consensus splice site. In summary, the currently available evidence indicates that the variant is pathogenic, but additional data are needed to prove that conclusively. Therefore, this variant has been classified as Likely Pathogenic.

Literature cited by the submitters: PubMed 16199547; PubMed 9068549; PubMed 23910462.

NM_018051.5(DYNC2I1):c.935+1G>C

Gene: DYNC2I1 (dynein 2 intermediate chain 1; plus strand). Cytogenetic location: 7q36.3.
Variant type: single nucleotide variant.
Coding change: c.935+1G>C on transcript NM_018051.5 (MANE Select); the canonical splice donor site of the intron after coding-DNA position 935, G replaced by C.
Molecular consequence: splice donor variant. On other transcripts: intron variant (1).
Genome position (GRCh38, 1-based): chr7:158,884,620, G>C. VCF-style: chr7-158884620-G-C. GRCh37 (hg19) VCF-style: chr7-158677311-G-C.
Other names: c.797+1G>C (NM_001350914.2); c.-551+1G>C (NM_001350918.2); c.-432+1G>C (NM_001350917.2); c.-424+1G>C (NM_001350916.2); c.363-2401G>C (NM_001350915.2).
Identifiers: ClinVar variation 4740024 (VCV004740024.1).